The following is an entry in ClinVar:

ClinVar aggregate classification (germline): Uncertain significance. Review status: criteria provided, multiple submitters, no conflicts (2 of 4 stars). 2 submissions from 2 submitters: Uncertain significance (2). Last evaluated 2026-02-10.

Conditions:
Early-infantile DEE. Also called: Early infantile epileptic encephalopathy; Ohtahara syndrome; Early infantile epileptic encephalopathy with suppression bursts. Identifiers: Orphanet 1934, MedGen C0393706, MONDO:0800491.

Submissions (2):

GeneDx
Classification: Uncertain significance. Last evaluated: 2026-02-10. Review status: criteria provided, single submitter. Criteria: GeneDx Variant Classification Process June 2021. Collection method: clinical testing. Allele origin: germline.
Comment: Not observed at significant frequency in large population cohorts (gnomAD); In silico analysis supports that this missense variant has a deleterious effect on protein structure/function; Has not been previously published as pathogenic or benign to our knowledge

Labcorp Genetics (formerly Invitae), Labcorp
Classification: Uncertain significance for Early-infantile DEE. Last evaluated: 2025-10-02. Review status: criteria provided, single submitter. Criteria: Invitae Variant Classification Sherloc (09022015). Collection method: clinical testing. Allele origin: germline.
Comment: This sequence change replaces alanine, which is neutral and non-polar, with valine, which is neutral and non-polar, at codon 227 of the SCN8A protein (p.Ala227Val). This variant is not present in population databases (gnomAD no frequency). This variant has not been reported in the literature in individuals affected with SCN8A-related conditions. ClinVar contains an entry for this variant (Variation ID: 1926487). Invitae Evidence Modeling of protein sequence and biophysical properties (such as structural, functional, and spatial information, amino acid conservation, physicochemical variation, residue mobility, and thermodynamic stability) indicates that this missense variant is expected to disrupt SCN8A protein function with a positive predictive value of 95%. In summary, the available evidence is currently insufficient to determine the role of this variant in disease. Therefore, it has been classified as a Variant of Uncertain Significance.

NM_014191.4(SCN8A):c.680C>T (p.Ala227Val)

Gene: SCN8A (sodium voltage-gated channel alpha subunit 8; plus strand). Cytogenetic location: 12q13.13.
Variant type: single nucleotide variant.
Coding change: c.680C>T on transcript NM_014191.4 (MANE Plus Clinical); coding-DNA position 680, C replaced by T.
Protein change: p.Ala227Val; replaces alanine 227 with valine.
Molecular consequence: missense variant. On other transcripts: intron variant (2).
Genome position (GRCh38, 1-based): chr12:51,688,823, C>T. VCF-style: chr12-51688823-C-T. GRCh37 (hg19) VCF-style: chr12-52082607-C-T.
Other names: c.680C>T, p.Ala227Val (NM_001177984.3); c.615-182C>T (NM_001330260.2, NM_001369788.1); c.680C>T (NM_014191.3); short protein forms A227V.
Identifiers: ClinVar variation 1926487 (VCV001926487.6), dbSNP rs2540158719, ClinGen allele CA385224023.
Genomic context (GRCh38, chr12:51,688,823, plus strand): 5'-TAACAGAGTTTGTAAACCTAGGCAATGTTTCAGCTCTACGCACTTTCAGGGTACTGAGGG[C>T]TTTGAAAACTATTTCGGTAATCCCAGGTAAGATGGTCCGGGGTTGGTGTTAGGTGTTGGG-3'
Protein context (NP_055006.1, residues 217-237): SALRTFRVLR[Ala227Val]LKTISVIPGL